The following is an entry in ClinVar:

NM_004309.6(ARHGDIA):c.*243G>A

Gene: ARHGDIA (Rho GDP dissociation inhibitor alpha; minus strand). Cytogenetic location: 17q25.3.
Variant type: single nucleotide variant.
Coding change: c.*243G>A on transcript NM_004309.6 (MANE Select); 243 bases downstream of the stop codon, G replaced by A.
Molecular consequence: 3 prime UTR variant. On other transcripts: missense variant (1), non-coding transcript variant (1), intron variant (2).
Genome position (GRCh38, 1-based): chr17:81,868,633, C>T on the plus strand (G>A on the coding strand, the complement: ARHGDIA is on the minus strand). VCF-style: chr17-81868633-C-T. GRCh37 (hg19) VCF-style: chr17-79826509-C-T.
Other names: c.*243G>A (NM_001185077.3, NM_001185078.3, NM_001301243.2); c.746G>A, p.Gly249Glu (NM_001301242.2); c.503-49G>A (NM_001301240.2, NM_001301241.2); short protein forms G249E.
Identifiers: ClinVar variation 915863 (VCV000915863.5), dbSNP rs189865523, ClinGen allele CA8843126.
Genomic context (GRCh38, chr17:81,868,633, plus strand): 5'-GGGAGATAGAACCTGGGGGGCACAGAAAGGGCAGCAGAGGCCTGGCTGCGGCCTCTCTCC[C>T]CCACAGCACAGGCAGAAGCAGCAACGAGACAGGAGACCGAGGAGGCTGGGCCTGTGGGTG-3'

ClinVar aggregate classification (germline): Uncertain significance. Review status: criteria provided, multiple submitters, no conflicts (2 of 4 stars). 4 submissions from 4 submitters: Uncertain significance (3). 1 of the submissions does not count toward it. Last evaluated 2022-03-03.

Conditions:
ARHGDIA-related disorder. Also called: ARHGDIA-related condition.
Nephrotic syndrome, type 8 (NPHS8). Identifiers: Orphanet 656, MedGen C3808953, MONDO:0014099, OMIM 615244.
Chronic kidney disease. Identifiers: MedGen C1561643, MONDO:0005300, HP:0012622.

Allele frequency attached by ClinVar (database versions not stated): 1000 Genomes Project 0.00020; TOPMed 0.00076; 1000 Genomes Project 30x 0.00078; gnomAD 0.00085; gnomAD exomes 0.00093; ExAC 0.00156.

Submissions (4):

Fulgent Genetics
Classification: Uncertain significance for Nephrotic syndrome, type 8. Last evaluated: 2022-03-03. Review status: criteria provided, single submitter. Criteria: ACMG Guidelines, 2015. Collection method: clinical testing. Allele origin: unknown.

Cavalleri Lab, Royal College of Surgeons in Ireland
Classification: Uncertain significance for Chronic kidney disease. Last evaluated: 2020-05-28. Review status: criteria provided, single submitter. Criteria: ACMG Guidelines, 2015. Collection method: research. Allele origin: unknown. Inheritance: Autosomal recessive inheritance. Affected: yes.
Comment: PP3, BS1

Breakthrough Genomics
Classification: Uncertain significance. Review status: criteria provided, single submitter. Criteria: ACMG Guidelines, 2015. Collection method: not provided. Allele origin: germline. Inheritance: Autosomal recessive inheritance. Affected: yes.

PreventionGenetics, part of Exact Sciences
Classification: Likely benign for ARHGDIA-related condition. Last evaluated: 2022-02-28. Review status: no assertion criteria provided. Collection method: clinical testing. Allele origin: germline. Not counted in ClinVar's aggregate classification.
Comment: This variant is classified as likely benign based on ACMG/AMP sequence variant interpretation guidelines (Richards et al. 2015 PMID: 25741868, with internal and published modifications).